The following is an entry in ClinVar:

NM_173630.4(RTTN):c.670C>T (p.Leu224Phe)

Gene: RTTN (rotatin; minus strand). Cytogenetic location: 18q22.2.
Variant type: single nucleotide variant.
Coding change: c.670C>T on transcript NM_173630.4 (MANE Select); coding-DNA position 670, C replaced by T.
Protein change: p.Leu224Phe; replaces leucine 224 with phenylalanine.
Molecular consequence: missense variant. On other transcripts: 5 prime UTR variant (1).
Genome position (GRCh38, 1-based): chr18:70,197,647, G>A on the plus strand (C>T on the coding strand, the complement: RTTN is on the minus strand). VCF-style: chr18-70197647-G-A. GRCh37 (hg19) VCF-style: chr18-67864883-G-A.
Other names: c.-1884C>T (NM_001318520.2); short protein forms L224F.
Identifiers: ClinVar variation 3377278 (VCV003377278.1).
Genomic context (GRCh38, chr18:70,197,647, plus strand): 5'-TAGTTCAAAATCTAAAACAATTATAGAGGGCACTGACCTGAACAATTTTTGGCCTTTGAA[G>A]GAAAATCTCAGCAGGAAAATCTTGCATGATAACATCCTTCAATAGTTCACAGGTGTTCCA-3'
Protein context (NP_775901.3, residues 214-234): IMQDFPAEIF[Leu224Phe]QRPKIVQSLL

ClinVar aggregate classification (germline): Likely pathogenic (1 of 4 stars; one submission).

Conditions:
Microcephalic primordial dwarfism due to RTTN deficiency (MSSP). Also called: Microcephaly, short stature, and polymicrogyria with or without seizures; MICROCEPHALY, SHORT STATURE, AND POLYMICROGYRIA. Identifiers: Orphanet 468631, MedGen C3553831, MONDO:0018764, OMIM 614833.

Submission:

Victorian Clinical Genetics Services, Murdoch Childrens Research Institute
Classification: Likely pathogenic for Microcephalic primordial dwarfism due to RTTN deficiency. Last evaluated: 2024-10-09. Review status: criteria provided, single submitter. Criteria: ACMG Guidelines, 2015. Collection method: clinical testing. Allele origin: germline. Inheritance: Autosomal recessive inheritance. Affected: yes.
Comment: Based on the classification scheme VCGS_Germline_v1.3.4, this variant is classified as Likely pathogenic. Following criteria are met: 0102 - Loss of function is a known mechanism of disease in this gene and is associated with microcephaly, short stature, and polymicrogyria with seizures (MIM#614833). (I) 0106 - This gene is associated with autosomal recessive disease. (I) 0200 - Variant is predicted to result in a missense amino acid change from leucine to phenylalanine. (I) 0251 - This variant is heterozygous. (I) 0301 - Variant is absent from gnomAD (both v2 and v3). (SP) 0502 - Missense variant with conflicting in silico predictions and very high conservation. (I) 0604 - Variant is not located in an established domain, motif, hotspot or informative constraint region. (I) 0705 - No comparable missense variants have previous evidence for pathogenicity. (I) 0807 - This variant has no previous evidence of pathogenicity. (I) 0905 - No published segregation evidence has been identified for this variant. (I) 1007 - No published functional evidence has been identified for this variant. (I) 1201 - Heterozygous variant detected in trans with a second pathogenic heterozygous variant (arr[GRCh38] 18q22.2(70017527_70028797)x1) in a recessive disease. (I) Legend: (SP) - Supporting pathogenic, (I) - Information, (SB) - Supporting benign